The following is an entry in ClinVar:

ClinVar aggregate classification (germline): Likely benign (1 of 4 stars; one submission).

Submission:

GeneDx
Classification: Likely benign. Last evaluated: 2017-05-05. Review status: criteria provided, single submitter. Criteria: GeneDx Variant Classification (06012015). Collection method: clinical testing. Allele origin: germline. Affected: yes.
Comment: This variant is considered likely benign or benign based on one or more of the following criteria: it is a conservative change, it occurs at a poorly conserved position in the protein, it is predicted to be benign by multiple in silico algorithms, and/or has population frequency not consistent with disease.

NM_000891.3(KCNJ2):c.-210T>C

Gene: KCNJ2 (potassium inwardly rectifying channel subfamily J member 2; plus strand). Cytogenetic location: 17q24.3.
Variant type: single nucleotide variant.
Coding change: c.-210T>C on transcript NM_000891.3 (MANE Select); 210 bases upstream of the start codon, T replaced by C.
Molecular consequence: 5 prime UTR variant.
Genome position (GRCh38, 1-based): chr17:70,174,830, T>C. VCF-style: chr17-70174830-T-C. GRCh37 (hg19) VCF-style: chr17-68170971-T-C.
Identifiers: ClinVar variation 509425 (VCV000509425.1), dbSNP rs1555603853, ClinGen allele CA658798964.